The following is an entry in ClinVar:

ClinVar aggregate classification (germline): Likely benign. Review status: criteria provided, multiple submitters, no conflicts (2 of 4 stars). 4 submissions from 4 submitters: Likely benign (3). 1 of the submissions does not count toward it. Last evaluated 2024-03-01.

Conditions:
MYOF-related disorder. Also called: MYOF-related condition.

Allele frequency attached by ClinVar (database versions not stated): 1000 Genomes Project 30x 0.00094; 1000 Genomes Project 0.00100; ExAC 0.00302; TOPMed 0.00323; gnomAD exomes 0.00338 and 0.00518; ESP Exome Variant Server 0.00473.
gnomAD v4.1: 8,039 of 1,614,038 alleles (0.5%); highest among the groups gnomAD compares: Non-Finnish European, 0.6%; 31 homozygotes.

Submissions (4):

CeGaT Center for Human Genetics Tuebingen
Classification: Likely benign. Last evaluated: 2024-03-01. Review status: criteria provided, single submitter. Criteria: CeGaT Center For Human Genetics Tuebingen Variant Classification Criteria Version 2. Collection method: clinical testing. Allele origin: germline. Affected: yes. Observed: 2 variant alleles.
Comment: MYOF: BS1

Labcorp Genetics (formerly Invitae), Labcorp
Classification: Likely benign. Last evaluated: 2017-11-13. Review status: criteria provided, single submitter. Criteria: Invitae Variant Classification Sherloc (09022015). Collection method: clinical testing. Allele origin: germline.

Breakthrough Genomics
Classification: Likely benign. Review status: criteria provided, single submitter. Criteria: ACMG Guidelines, 2015. Collection method: not provided. Allele origin: germline. Inheritance: Autosomal dominant inheritance. Affected: yes.

PreventionGenetics, part of Exact Sciences
Classification: Benign for MYOF-related condition. Last evaluated: 2019-06-06. Review status: no assertion criteria provided. Collection method: clinical testing. Allele origin: germline. Not counted in ClinVar's aggregate classification.
Comment: This variant is classified as benign based on ACMG/AMP sequence variant interpretation guidelines (Richards et al. 2015 PMID: 25741868, with internal and published modifications).

NM_013451.4(MYOF):c.292T>A (p.Ser98Thr)

Gene: MYOF (myoferlin; minus strand). Cytogenetic location: 10q23.33.
Variant type: single nucleotide variant.
Coding change: c.292T>A on transcript NM_013451.4 (MANE Select); coding-DNA position 292, T replaced by A.
Protein change: p.Ser98Thr; replaces serine 98 with threonine.
Molecular consequence: missense variant.
Genome position (GRCh38, 1-based): chr10:93,431,461, A>T on the plus strand (T>A on the coding strand, the complement: MYOF is on the minus strand). VCF-style: chr10-93431461-A-T. GRCh37 (hg19) VCF-style: chr10-95191218-A-T.
Other names: c.292T>A, p.Ser98Thr (NM_133337.3); short protein forms S98T.
Identifiers: ClinVar variation 789205 (VCV000789205.29), dbSNP rs180853104, ClinGen allele CA5608663.
Genomic context (GRCh38, chr10:93,431,461, plus strand): 5'-CACTCACCCCAGTATCTTGCCCTTTTTCATTTAGCAGGGAGATCAGCTTGTACGGCAGGG[A>T]TCTGCTCTGGTCACCAGTCAGGTCCTTCAGGGCTACAGTCGCCGTGCCAATTAATCTGCA-3'
Protein context (NP_038479.1, residues 88-108): LKDLTGDQSR[Ser98Thr]LPYKLISLLN